The following is an entry in ClinVar:

NM_007294.4(BRCA1):c.5074+156G>A

Gene: BRCA1 (BRCA1 DNA repair associated; minus strand). Cytogenetic location: 17q21.31.
Variant type: single nucleotide variant.
Coding change: c.5074+156G>A on transcript NM_007294.4 (MANE Select); 156 bases into the intron after coding-DNA position 5074, G replaced by A.
Molecular consequence: intron variant.
Genome position (GRCh38, 1-based): chr17:43,067,452, C>T on the plus strand (G>A on the coding strand, the complement: BRCA1 is on the minus strand). VCF-style: chr17-43067452-C-T. GRCh37 (hg19) VCF-style: chr17-41219469-C-T.
Other names: c.4951+156G>A (NM_001407666.1, NM_001407665.1, NM_001407938.1 and 6 more transcripts); c.1648+156G>A (NM_001408418.1, NM_001408420.1, NM_001408419.1); c.1762+156G>A (NM_001407981.1, NM_007298.4, NM_001407980.1 and 12 more transcripts); c.1765+156G>A (NM_001407978.1, NM_001407976.1, NM_001407974.1 and 3 more transcripts); c.5071+156G>A (NM_001407859.1, NM_001407620.1, NM_001407613.1 and 17 more transcripts); c.5074+156G>A (NM_001407597.1, NM_001407603.1, NM_001407652.1 and 8 more transcripts); c.5068+156G>A (NM_001407639.1, NM_001407632.1, NM_001407627.1 and 14 more transcripts); c.1621+156G>A (NM_001408458.1, NM_001408461.1, NM_001408464.1 and 7 more transcripts); and 71 more.
Identifiers: ClinVar variation 3134933 (VCV003134933.1), dbSNP rs1260045306, ClinGen allele CA772176414.

ClinVar aggregate classification (germline): Uncertain significance (1 of 4 stars; one submission).

Conditions:
Hereditary cancer-predisposing syndrome. Also called: Neoplastic Syndromes, Hereditary; Tumor predisposition; Hereditary neoplastic syndrome; Hereditary Cancer Syndrome. Identifiers: Orphanet 140162, MedGen C0027672, MeSH D009386, MONDO:0015356.

Allele frequency attached by ClinVar (database versions not stated): TOPMed below 0.00001.

Submission:

Ambry Genetics
Classification: Uncertain significance for Hereditary cancer-predisposing syndrome. Last evaluated: 2020-11-25. Review status: criteria provided, single submitter. Criteria: Ambry Variant Classification Scheme 2023. Collection method: clinical testing. Allele origin: germline.
Comment: The c.5074+156G>A intronic alteration consists of a G to A substitution 56 nucleotides after coding exon 15 in the BRCA1 gene. Based on insufficient or conflicting evidence, the clinical significance of this alteration remains unclear.